The following is an entry in ClinVar:

NM_205850.3(SLC24A5):c.1294G>A (p.Glu432Lys)

Genes: SLC24A5 (solute carrier family 24 member 5; plus strand), MYEF2 (myelin expression factor 2; minus strand). Cytogenetic location: 15q21.1.
Variant type: single nucleotide variant.
Coding change: c.1294G>A on transcript NM_205850.3 (MANE Select); coding-DNA position 1294, G replaced by A.
Protein change: p.Glu432Lys; replaces glutamic acid 432 with lysine.
Molecular consequence: missense variant. On other transcripts: 3 prime UTR variant (2).
Genome position (GRCh38, 1-based): chr15:48,142,142, G>A. VCF-style: chr15-48142142-G-A. GRCh37 (hg19) VCF-style: chr15-48434339-G-A.
Other names: c.*766C>T (NM_001301210.2, NM_016132.5); c.1294G>A (NM_205850.2); short protein forms E432K.
Identifiers: ClinVar variation 2188916 (VCV002188916.2), dbSNP rs767486171, ClinGen allele CA7546103.

ClinVar aggregate classification (germline): Uncertain significance. Review status: criteria provided, multiple submitters, no conflicts (2 of 4 stars). 2 submissions from 2 submitters: Uncertain significance (2). Last evaluated 2025-07-02.

Conditions:
Inborn genetic diseases. Identifiers: MedGen C0950123, MeSH D030342.

Allele frequency attached by ClinVar (database versions not stated): gnomAD 0.00001; TOPMed 0.00002; ExAC 0.00003.
gnomAD v4.1: 8 of 1,613,752 alleles (0.0005%); highest among the groups gnomAD compares: Admixed American, 0.01%; no homozygotes.

Submissions (2):

Ambry Genetics
Classification: Uncertain significance for Inborn genetic diseases. Last evaluated: 2025-07-02. Review status: criteria provided, single submitter. Criteria: Ambry Variant Classification Scheme 2023. Collection method: clinical testing. Allele origin: germline.

Labcorp Genetics (formerly Invitae), Labcorp
Classification: Uncertain significance. Last evaluated: 2022-07-26. Review status: criteria provided, single submitter. Criteria: Invitae Variant Classification Sherloc (09022015). Collection method: clinical testing. Allele origin: germline.
Comment: This sequence change replaces glutamic acid, which is acidic and polar, with lysine, which is basic and polar, at codon 432 of the SLC24A5 protein (p.Glu432Lys). This variant is present in population databases (rs767486171, gnomAD 0.01%). This variant has not been reported in the literature in individuals affected with SLC24A5-related conditions. Algorithms developed to predict the effect of missense changes on protein structure and function output the following: SIFT: "Tolerated"; PolyPhen-2: "Benign"; Align-GVGD: "Class C0". The lysine amino acid residue is found in multiple mammalian species, which suggests that this missense change does not adversely affect protein function. In summary, the available evidence is currently insufficient to determine the role of this variant in disease. Therefore, it has been classified as a Variant of Uncertain Significance.